The following is an entry in ClinVar:

ClinVar aggregate classification (germline): Uncertain significance (1 of 4 stars; one submission).

Conditions:
Progressive sclerosing poliodystrophy (MTDPS4A). Also called: NEURONAL DEGENERATION OF CHILDHOOD WITH LIVER DISEASE, PROGRESSIVE; ALPERS PROGRESSIVE INFANTILE POLIODYSTROPHY; Alpers-Huttenlocher Syndrome (AHS); Mitochondrial DNA depletion syndrome 4A (Alpers type); Mitochondrial DNA Depletion Syndrome 4A; Alpers Syndrome. Identifiers: Orphanet 726, MedGen C0205710, MONDO:0008758, OMIM 203700.

Allele frequency attached by ClinVar (database versions not stated): TOPMed below 0.00001.
gnomAD v4.1: 1 of 1,614,112 alleles (0.000062%); highest among the groups gnomAD compares: Admixed American, 0.0017%; no homozygotes.

Submission:

Labcorp Genetics (formerly Invitae), Labcorp
Classification: Uncertain significance for Progressive sclerosing poliodystrophy. Last evaluated: 2023-01-01. Review status: criteria provided, single submitter. Criteria: Invitae Variant Classification Sherloc (09022015). Collection method: clinical testing. Allele origin: germline.
Comment: This sequence change replaces aspartic acid, which is acidic and polar, with glutamic acid, which is acidic and polar, at codon 904 of the POLG protein (p.Asp904Glu). This variant is not present in population databases (gnomAD no frequency). This variant has not been reported in the literature in individuals affected with POLG-related conditions. ClinVar contains an entry for this variant (Variation ID: 458707). Advanced modeling of protein sequence and biophysical properties (such as structural, functional, and spatial information, amino acid conservation, physicochemical variation, residue mobility, and thermodynamic stability) performed at Invitae indicates that this missense variant is not expected to disrupt POLG protein function. In summary, the available evidence is currently insufficient to determine the role of this variant in disease. Therefore, it has been classified as a Variant of Uncertain Significance.

NM_002693.3(POLG):c.2712C>G (p.Asp904Glu)

Gene: POLG (DNA polymerase gamma, catalytic subunit; minus strand). Cytogenetic location: 15q26.1.
Variant type: single nucleotide variant.
Coding change: c.2712C>G on transcript NM_002693.3 (MANE Select); coding-DNA position 2712, C replaced by G.
Protein change: p.Asp904Glu; replaces aspartic acid 904 with glutamic acid.
Molecular consequence: missense variant.
Genome position (GRCh38, 1-based): chr15:89,321,147, G>C on the plus strand (C>G on the coding strand, the complement: POLG is on the minus strand). VCF-style: chr15-89321147-G-C. GRCh37 (hg19) VCF-style: chr15-89864378-G-C.
Other names: c.2712C>G, p.Asp904Glu (NM_001126131.2); short protein forms D904E.
Identifiers: ClinVar variation 458707 (VCV000458707.9), dbSNP rs770458126, ClinGen allele CA393753525.
Genomic context (GRCh38, chr15:89,321,147, plus strand): 5'-TGAGGGGCTGGGCTGCCCCAACCCCGGCTCCTGCTCACCATGCATGCCGGCAAAGTGGGC[G>C]TCTCCAAGCACAGCTGCAATCCACAGCTCTTGGGAGTCCACATCAGCACCCACAAGGGTG-3'
Protein context (NP_002684.1, residues 894-914): QELWIAAVLG[Asp904Glu]AHFAGMHGCT